The following is an entry in ClinVar:

ClinVar aggregate classification (germline): Uncertain significance (1 of 4 stars; one submission).

Conditions:
Very long chain acyl-CoA dehydrogenase deficiency (ACADVLD). Also called: Very Long-Chain Acyl-Coenzyme A Dehydrogenase Deficiency; VLCAD Deficiency. Identifiers: Orphanet 26793, MedGen C3887523, MONDO:0008723, OMIM 201475.

Submission:

Wong Mito Lab, Molecular and Human Genetics, Baylor College of Medicine
Classification: Uncertain significance for Very long chain acyl-CoA dehydrogenase deficiency. Last evaluated: 2019-11-01. Review status: criteria provided, single submitter. Criteria: ACMG Guidelines, 2015. Collection method: clinical testing. Allele origin: germline.
Comment: The NM_000018.3:c.477G>C (NP_000009.1:p.Gln159His) [GRCH38: NC_000017.11:g.7221058G>C] variant in ACADVL gene is interpretated to be Uncertain Significance based on ACMG guidelines (PMID: 25741868). This variant has been reported. This variant dose not meet any evidence codes reported in the ACMG guidelines.

NM_000018.4(ACADVL):c.477G>C (p.Gln159His)

Gene: ACADVL (acyl-CoA dehydrogenase very long chain; plus strand). Cytogenetic location: 17p13.1.
Variant type: single nucleotide variant.
Coding change: c.477G>C on transcript NM_000018.4 (MANE Select); coding-DNA position 477, G replaced by C.
Protein change: p.Gln159His; replaces glutamine 159 with histidine.
Molecular consequence: missense variant.
Genome position (GRCh38, 1-based): chr17:7,221,058, G>C. VCF-style: chr17-7221058-G-C. GRCh37 (hg19) VCF-style: chr17-7124377-G-C.
Other names: c.411G>C, p.Gln137His (NM_001033859.3); c.546G>C, p.Gln182His (NM_001270447.2); c.249G>C, p.Gln83His (NM_001270448.2); short protein forms Q137H, Q159H, Q83H, Q182H.
Identifiers: ClinVar variation 932859 (VCV000932859.2), dbSNP rs2071189324, ClinGen allele CA397722981.